The following is an entry in ClinVar:

ClinVar aggregate classification (germline): Uncertain significance (1 of 4 stars; one submission).

Conditions:
Cardiovascular phenotype. Identifiers: MedGen CN230736.

Submission:

Ambry Genetics
Classification: Uncertain significance for Cardiovascular phenotype. Last evaluated: 2026-05-24. Review status: criteria provided, single submitter. Criteria: Ambry Variant Classification Scheme 2023. Collection method: clinical testing. Allele origin: germline.
Comment: The p.E498Q variant (also known as c.1492G>C), located in coding exon 12 of the MYH6 gene, results from a G to C substitution at nucleotide position 1492. The glutamic acid at codon 498 is replaced by glutamine, an amino acid with highly similar properties. This amino acid position is conserved. In addition, this alteration is predicted to be deleterious by in silico analysis. Based on the available evidence, the clinical significance of this variant remains unclear.

NM_002471.4(MYH6):c.1492G>C (p.Glu498Gln)

Gene: MYH6 (myosin heavy chain 6; minus strand). Cytogenetic location: 14q11.2.
Variant type: single nucleotide variant.
Coding change: c.1492G>C on transcript NM_002471.4 (MANE Select); coding-DNA position 1492, G replaced by C.
Protein change: p.Glu498Gln; replaces glutamic acid 498 with glutamine.
Molecular consequence: missense variant.
Genome position (GRCh38, 1-based): chr14:23,400,345, C>G on the plus strand (G>C on the coding strand, the complement: MYH6 is on the minus strand). VCF-style: chr14-23400345-C-G. GRCh37 (hg19) VCF-style: chr14-23869554-C-G.
Other names: short protein forms E498Q.
Identifiers: ClinVar variation 4860573 (VCV004860573.1).
Genomic context (GRCh38, chr14:23,400,345, plus strand): 5'-GGTCCATGCCAAAGTCAATGAATGTCCACTCAATGCCCTCCTTCTTGTACTCCTCCTGCT[C>G]CAGCACGAACATGTGGTGGTTGAAGAACTGCTGCAGCTTCTCGTTGGTGAAGTTGATGCA-3'
Protein context (NP_002462.2, residues 488-508): QFFNHHMFVL[Glu498Gln]QEEYKKEGIE